The following is an entry in ClinVar:

ClinVar aggregate classification (germline): Conflicting classifications of pathogenicity. Review status: criteria provided, conflicting classifications (1 of 4 stars). 13 submissions from 13 submitters: Uncertain significance (1); Benign (1); Likely benign (10). 1 of the submissions does not count toward it. Last evaluated 2026-05-09.

Conditions:
CHEK2-related disorder.
Hereditary cancer-predisposing syndrome. Also called: Neoplastic Syndromes, Hereditary; Tumor predisposition; Hereditary neoplastic syndrome; Hereditary Cancer Syndrome. Identifiers: Orphanet 140162, MedGen C0027672, MeSH D009386, MONDO:0015356.
CHEK2-related cancer predisposition (TPDS4). Also called: TUMOR PREDISPOSITION SYNDROME 4; CANCER PREDISPOSITION SYNDROME, CHEK2-RELATED; CHEK2-related cancer susceptibility. Identifiers: Orphanet 524, MedGen C5882668, MONDO:0700271, OMIM 609265.
Familial cancer of breast. Also called: Hereditary breast cancer; BREAST CANCER, FAMILIAL; hereditary breast carcinoma. Identifiers: Orphanet 227535, MedGen C0346153, MONDO:0016419, OMIM 114480. Disease mechanism: loss of function.

Allele frequency attached by ClinVar (database versions not stated): gnomAD exomes below 0.00001; gnomAD 0.00001.
gnomAD v4.1: 5 of 1,613,810 alleles (0.00031%); highest among the groups gnomAD compares: East Asian, 0.0045%; no homozygotes.

Submissions (13):

PreventionGenetics, part of Exact Sciences
Classification: Likely benign for CHEK2-related condition. Last evaluated: 2026-05-09. Review status: criteria provided, single submitter. Criteria: ACMG Guidelines, 2015. Collection method: clinical testing. Allele origin: germline.
Comment: This variant is classified as likely benign based on ACMG/AMP sequence variant interpretation guidelines (Richards et al. 2015 PMID: 25741868, with internal and published modifications).

Labcorp Genetics (formerly Invitae), Labcorp
Classification: Likely benign for Familial cancer of breast. Last evaluated: 2026-01-28. Review status: criteria provided, single submitter. Criteria: Invitae Variant Classification Sherloc (09022015). Collection method: clinical testing. Allele origin: germline.

Quest Diagnostics Nichols Institute San Juan Capistrano
Classification: Likely benign. Last evaluated: 2025-06-02. Review status: criteria provided, single submitter. Criteria: Quest Diagnostics criteria. Collection method: clinical testing. Allele origin: unknown.

Blueprint Genetics
Classification: Likely benign. Last evaluated: 2024-08-23. Review status: criteria provided, single submitter. Criteria: ACMG Guidelines, 2015. Collection method: clinical testing. Allele origin: germline.

Women's Health and Genetics/Laboratory Corporation of America, LabCorp
Classification: Likely benign. Last evaluated: 2024-08-12. Review status: criteria provided, single submitter. Criteria: LabCorp Variant Classification Summary - May 2015. Collection method: clinical testing. Allele origin: germline.

Myriad Genetics, Inc.
Classification: Benign for Familial cancer of breast. Last evaluated: 2023-03-08. Review status: criteria provided, single submitter. Criteria: Myriad Autosomal Dominant, Autosomal Recessive and X-Linked Classification Criteria (2023). Collection method: clinical testing. Allele origin: unknown.
Comment: This variant is considered benign. This variant is a silent/synonymous amino acid change and it is not expected to impact splicing.

Department of Pathology and Laboratory Medicine, Sinai Health System
Classification: Likely benign for CHEK2-related cancer predisposition. Last evaluated: 2020-08-24. Review status: criteria provided, single submitter. Criteria: ACMG Guidelines, 2015. Collection method: clinical testing. Allele origin: germline. Affected: yes.

Sema4
Classification: Likely benign for Hereditary cancer-predisposing syndrome. Last evaluated: 2020-05-13. Review status: criteria provided, single submitter. Criteria: Sema4 Curation Guidelines. Collection method: curation. Allele origin: germline.

GeneDx
Classification: Likely benign. Last evaluated: 2019-11-29. Review status: criteria provided, single submitter. Criteria: GeneDx Variant Classification Process June 2021. Collection method: clinical testing. Allele origin: germline. Affected: yes.

Illumina Laboratory Services, Illumina
Classification: Uncertain significance for CHEK2-Related Cancer Susceptibility. Last evaluated: 2018-01-13. Review status: criteria provided, single submitter. Criteria: ICSL Variant Classification Criteria 13 December 2019. Collection method: clinical testing. Allele origin: germline.

Color Diagnostics, LLC DBA Color Health
Classification: Likely benign for Hereditary cancer-predisposing syndrome. Last evaluated: 2015-04-24. Review status: criteria provided, single submitter. Criteria: ACMG Guidelines, 2015. Collection method: clinical testing. Allele origin: germline.

Ambry Genetics
Classification: Likely benign for Hereditary cancer-predisposing syndrome. Last evaluated: 2014-12-30. Review status: criteria provided, single submitter. Criteria: Ambry Variant Classification Scheme 2023. Collection method: clinical testing. Allele origin: germline.

Counsyl
Classification: Likely benign for Familial cancer of breast. Last evaluated: 2016-03-29. Review status: no assertion criteria provided. Collection method: clinical testing. Allele origin: unknown. Not counted in ClinVar's aggregate classification.

NM_007194.4(CHEK2):c.573G>C (p.Leu191=)

Gene: CHEK2 (checkpoint kinase 2; minus strand). Cytogenetic location: 22q12.1.
Variant type: single nucleotide variant.
Coding change: c.573G>C on transcript NM_007194.4 (MANE Select); coding-DNA position 573, G replaced by C.
Protein change: p.Leu191=; no amino-acid change (leucine 191 retained).
Molecular consequence: synonymous variant. On other transcripts: 5 prime UTR variant (2), intron variant (1).
Genome position (GRCh38, 1-based): chr22:28,724,996, C>G on the plus strand (G>C on the coding strand, the complement: CHEK2 is on the minus strand). VCF-style: chr22-28724996-C-G. GRCh37 (hg19) VCF-style: chr22-29120984-C-G.
Other names: c.702G>C, p.Leu234= (NM_001005735.3, NM_001438294.1); c.-205G>C (NM_001257387.3); c.-91G>C (NM_001437942.1); c.666G>C, p.Leu222= (NM_001438293.1, NM_001438295.1); c.573G>C, p.Leu191= (NM_145862.3); c.445-73G>C (NM_001349956.3).
Identifiers: ClinVar variation 184077 (VCV000184077.33), dbSNP rs786201267, ClinGen allele CA187712.